The following is an entry in ClinVar:

NM_000108.5(DLD):c.1464+1G>A

Gene: DLD (dihydrolipoamide dehydrogenase; plus strand). Cytogenetic location: 7q31.1.
Variant type: single nucleotide variant.
Coding change: c.1464+1G>A on transcript NM_000108.5 (MANE Select); the canonical splice donor site of the intron after coding-DNA position 1464, G replaced by A.
Molecular consequence: splice donor variant.
Genome position (GRCh38, 1-based): chr7:107,919,100, G>A. VCF-style: chr7-107919100-G-A. GRCh37 (hg19) VCF-style: chr7-107559545-G-A.
Other names: c.1464+1G>A (NM_000108.4); c.1320+1G>A (NM_001289752.1); c.1395+1G>A (NM_001289751.1); c.1167+1G>A (NM_001289750.1).
Identifiers: ClinVar variation 2106351 (VCV002106351.5), dbSNP rs2535606416, ClinGen allele CA368859565.

ClinVar aggregate classification (germline): Pathogenic/Likely pathogenic. Review status: criteria provided, multiple submitters, no conflicts (2 of 4 stars). 2 submissions from 2 submitters: Pathogenic (1); Likely pathogenic (1). Last evaluated 2025-11-20.

Conditions:
Pyruvate dehydrogenase E3 deficiency (DLDD). Also called: Lipoamide dehydrogenase deficiency, lactic acidosis due to; Lipoamide dehydrogenase deficiency; Dihydrolipoamide Dehydrogenase (E3) Deficiency; DLD DEFICIENCY; E3 DEFICIENCY; Dihydrolipoamide Dehydrogenase E3 Deficiency. Identifiers: Orphanet 2394, Orphanet 765, MedGen C5574660, MONDO:0009529, OMIM 246900.

Submissions (2):

Natera, Inc.
Classification: Likely pathogenic for Maple syrup urine disease type 3. Last evaluated: 2025-11-20. Review status: criteria provided, single submitter. Criteria: Natera Variant Classification Schema (03/2026). Collection method: clinical testing. Allele origin: germline.
Comment: The c.1464+1G>A variant in DLD is a canonical splice donor site variant predicted to affect pre-mRNA splicing, which may result in an abnormal transcript and altered protein product. This variant is expected to result in nonsense mediated decay, truncation, or a dysfunctional protein product. This variant is rare in the general population with a frequency below the threshold expected for the associated phenotype(s). Given the available evidence, this variant is classified as Likely Pathogenic.

Labcorp Genetics (formerly Invitae), Labcorp
Classification: Pathogenic for Pyruvate dehydrogenase E3 deficiency. Last evaluated: 2022-03-03. Review status: criteria provided, single submitter. Criteria: Invitae Variant Classification Sherloc (09022015). Collection method: clinical testing. Allele origin: germline.
Comment: For these reasons, this variant has been classified as Pathogenic. This variant disrupts a region of the DLD protein in which other variant(s) (p.Arg495Gly) have been determined to be pathogenic (PMID: 8968745, 21930696). This suggests that this is a clinically significant region of the protein, and that variants that disrupt it are likely to be disease-causing. Variants that disrupt the consensus splice site are a relatively common cause of aberrant splicing (PMID: 17576681, 9536098). Algorithms developed to predict the effect of sequence changes on RNA splicing suggest that this variant may disrupt the consensus splice site. This variant has not been reported in the literature in individuals affected with DLD-related conditions. This variant is not present in population databases (gnomAD no frequency). This sequence change affects a donor splice site in intron 13 of the DLD gene. While this variant is not anticipated to result in nonsense mediated decay, it likely alters RNA splicing and results in a disrupted protein product.

Literature cited by the submitters: PubMed 8968745 (cited by Labcorp Genetics (formerly Invitae), Labcorp); PubMed 21930696 (cited by Labcorp Genetics (formerly Invitae), Labcorp); PubMed 17576681 (cited by Labcorp Genetics (formerly Invitae), Labcorp); PubMed 9536098 (cited by Labcorp Genetics (formerly Invitae), Labcorp).